The following is an entry in ClinVar:

NM_000231.3(SGCG):c.310C>A (p.Leu104Ile)

Gene: SGCG (sarcoglycan gamma; plus strand). Cytogenetic location: 13q12.12.
Variant type: single nucleotide variant.
Coding change: c.310C>A on transcript NM_000231.3 (MANE Select); coding-DNA position 310, C replaced by A.
Protein change: p.Leu104Ile; replaces leucine 104 with isoleucine.
Molecular consequence: missense variant.
Genome position (GRCh38, 1-based): chr13:23,250,642, C>A. VCF-style: chr13-23250642-C-A. GRCh37 (hg19) VCF-style: chr13-23824781-C-A.
Other names: c.364C>A, p.Leu122Ile (NM_001378244.1); c.310C>A, p.Leu104Ile (NM_001378245.1, NM_001378246.1); short protein forms L122I, L104I.
Identifiers: ClinVar variation 2151540 (VCV002151540.4), dbSNP rs918581161, ClinGen allele CA246628516.

ClinVar aggregate classification (germline): Uncertain significance (1 of 4 stars; one submission).

Conditions:
Autosomal recessive limb-girdle muscular dystrophy type 2C (LGMDR5). Also called: MUSCULAR DYSTROPHY, LIMB-GIRDLE, AUTOSOMAL RECESSIVE 5; MUSCULAR DYSTROPHY, DUCHENNE-LIKE. Identifiers: Orphanet 353, MedGen C0410173, MONDO:0009677, OMIM 253700. Disease mechanism: Affects gamma-sarcoglycan and also disrupts the integrity of the entire sarcoglycan complex..

gnomAD v4.1: 3 of 1,605,924 alleles (0.00019%); highest among the groups gnomAD compares: Non-Finnish European, 0.00026%; no homozygotes.

Submission:

Labcorp Genetics (formerly Invitae), Labcorp
Classification: Uncertain significance for Autosomal recessive limb-girdle muscular dystrophy type 2C. Last evaluated: 2022-08-10. Review status: criteria provided, single submitter. Criteria: Invitae Variant Classification Sherloc (09022015). Collection method: clinical testing. Allele origin: germline.
Comment: In summary, the available evidence is currently insufficient to determine the role of this variant in disease. Therefore, it has been classified as a Variant of Uncertain Significance. Algorithms developed to predict the effect of missense changes on protein structure and function (SIFT, PolyPhen-2, Align-GVGD) all suggest that this variant is likely to be tolerated. This variant has not been reported in the literature in individuals affected with SGCG-related conditions. This variant is present in population databases (no rsID available, gnomAD 0.0009%). This sequence change replaces leucine, which is neutral and non-polar, with isoleucine, which is neutral and non-polar, at codon 104 of the SGCG protein (p.Leu104Ile).